The following is an entry in ClinVar:

NM_024675.4(PALB2):c.1520C>A (p.Ala507Glu)

Gene: PALB2 (partner and localizer of BRCA2; minus strand). Cytogenetic location: 16p12.2.
Variant type: single nucleotide variant.
Coding change: c.1520C>A on transcript NM_024675.4 (MANE Select); coding-DNA position 1520, C replaced by A.
Protein change: p.Ala507Glu; replaces alanine 507 with glutamic acid.
Molecular consequence: missense variant. On other transcripts: intron variant (3).
Genome position (GRCh38, 1-based): chr16:23,635,026, G>T on the plus strand (C>A on the coding strand, the complement: PALB2 is on the minus strand). VCF-style: chr16-23635026-G-T. GRCh37 (hg19) VCF-style: chr16-23646347-G-T.
Other names: c.1460C>A, p.Ala487Glu (NM_001407296.1); c.1520C>A, p.Ala507Glu (NM_001407297.1, NM_001407298.1, NM_001407299.1 and 3 more transcripts); c.635C>A, p.Ala212Glu (NM_001407304.1, NM_001407305.1, NM_001407306.1 and 5 more transcripts); c.49-5751C>A (NM_001407314.1); c.-104-4557C>A (NM_001407313.1, NM_001407312.1); short protein forms A487E, A507E, A212E.
Identifiers: ClinVar variation 3413460 (VCV003413460.1).

ClinVar aggregate classification (germline): Uncertain significance (1 of 4 stars; one submission).

Conditions:
Hereditary cancer-predisposing syndrome. Also called: Neoplastic Syndromes, Hereditary; Tumor predisposition; Hereditary Cancer Syndrome; Hereditary neoplastic syndrome. Identifiers: Orphanet 140162, MedGen C0027672, MeSH D009386, MONDO:0015356.

Submission:

Ambry Genetics
Classification: Uncertain significance for Hereditary cancer-predisposing syndrome. Last evaluated: 2024-08-21. Review status: criteria provided, single submitter. Criteria: Ambry Variant Classification Scheme 2023. Collection method: clinical testing. Allele origin: germline.
Comment: The p.A507E variant (also known as c.1520C>A), located in coding exon 4 of the PALB2 gene, results from a C to A substitution at nucleotide position 1520. The alanine at codon 507 is replaced by glutamic acid, an amino acid with dissimilar properties. This amino acid position is conserved. In addition, this alteration is predicted to be tolerated by in silico analysis. Based on the available evidence, the clinical significance of this variant remains unclear.